The following is an entry in ClinVar:

ClinVar aggregate classification (germline): Uncertain significance. Review status: criteria provided, multiple submitters, no conflicts (2 of 4 stars). 2 submissions from 2 submitters: Uncertain significance (2). Last evaluated 2024-09-08.

Conditions:
Cardiovascular phenotype. Identifiers: MedGen CN230736.
Catecholaminergic polymorphic ventricular tachycardia 1. Also called: VENTRICULAR TACHYCARDIA, STRESS-INDUCED POLYMORPHIC 1; VENTRICULAR TACHYCARDIA, CATECHOLAMINERGIC POLYMORPHIC, 1, WITH OR WITHOUT ATRIAL DYSFUNCTION AND/OR DILATED CARDIOMYOPATHY; RYR2-Related Catecholaminergic Polymorphic Ventricular Tachycardia. Identifiers: Orphanet 3286, MedGen C1631597, MONDO:0011484, OMIM 604772.

Allele frequency attached by ClinVar (database versions not stated): gnomAD exomes below 0.00001 and 0.00001; ExAC 0.00002; gnomAD 0.00003 and 0.00004; TOPMed 0.00004; 1000 Genomes Project 30x 0.00016; 1000 Genomes Project 0.00020.
gnomAD v4.1: 7 of 1,611,050 alleles (0.00043%); highest among the groups gnomAD compares: African/African-American, 0.0094%; no homozygotes.

Submissions (2):

Ambry Genetics
Classification: Uncertain significance for Cardiovascular phenotype. Last evaluated: 2024-09-08. Review status: criteria provided, single submitter. Criteria: Ambry Variant Classification Scheme 2023. Collection method: clinical testing. Allele origin: germline.
Comment: The p.G713E variant (also known as c.2138G>A), located in coding exon 41 of the TRDN gene, results from a G to A substitution at nucleotide position 2138. The glycine at codon 713 is replaced by glutamic acid, an amino acid with similar properties. This amino acid position is conserved. In addition, this alteration is predicted to be tolerated by in silico analysis. Since supporting evidence is limited at this time, the clinical significance of this alteration remains unclear.

Labcorp Genetics (formerly Invitae), Labcorp
Classification: Uncertain significance for Catecholaminergic polymorphic ventricular tachycardia 1. Last evaluated: 2021-10-08. Review status: criteria provided, single submitter. Criteria: Invitae Variant Classification Sherloc (09022015). Collection method: clinical testing. Allele origin: germline.
Comment: In summary, the available evidence is currently insufficient to determine the role of this variant in disease. Therefore, it has been classified as a Variant of Uncertain Significance. Algorithms developed to predict the effect of missense changes on protein structure and function output the following: SIFT: "Deleterious"; PolyPhen-2: "Benign"; Align-GVGD: "Class C0". The glutamic acid amino acid residue is found in multiple mammalian species, which suggests that this missense change does not adversely affect protein function. This variant has not been reported in the literature in individuals affected with TRDN-related conditions. This variant is present in population databases (rs536487170, ExAC 0.02%). This sequence change replaces glycine with glutamic acid at codon 713 of the TRDN protein (p.Gly713Glu). The glycine residue is moderately conserved and there is a moderate physicochemical difference between glycine and glutamic acid.

NM_006073.4(TRDN):c.2138G>A (p.Gly713Glu)

Gene: TRDN (triadin; minus strand). Cytogenetic location: 6q22.31.
Variant type: single nucleotide variant.
Coding change: c.2138G>A on transcript NM_006073.4 (MANE Select); coding-DNA position 2138, G replaced by A.
Protein change: p.Gly713Glu; replaces glycine 713 with glutamic acid.
Molecular consequence: missense variant.
Genome position (GRCh38, 1-based): chr6:123,218,653, C>T on the plus strand (G>A on the coding strand, the complement: TRDN is on the minus strand). VCF-style: chr6-123218653-C-T. GRCh37 (hg19) VCF-style: chr6-123539798-C-T.
Other names: short protein forms G713E.
Identifiers: ClinVar variation 1402602 (VCV001402602.9), dbSNP rs536487170, ClinGen allele CA3983586.